The following is an entry in ClinVar:

ClinVar aggregate classification (germline): Uncertain significance. Review status: criteria provided, multiple submitters, no conflicts (2 of 4 stars). 2 submissions from 2 submitters: Uncertain significance (2). Last evaluated 2025-11-04.

Conditions:
Charcot-Marie-Tooth disease type 2. Also called: Charcot-Marie-Tooth type 2. Identifiers: Orphanet 64746, MedGen C0270914, MONDO:0018993.

Allele frequency attached by ClinVar (database versions not stated): gnomAD exomes below 0.00001.
gnomAD v4.1: 1 of 1,614,052 alleles (0.000062%); highest among the groups gnomAD compares: Non-Finnish European, 0.000085%; no homozygotes.

Submissions (2):

Labcorp Genetics (formerly Invitae), Labcorp
Classification: Uncertain significance for Charcot-Marie-Tooth disease type 2. Last evaluated: 2025-11-04. Review status: criteria provided, single submitter. Criteria: Invitae Variant Classification Sherloc (09022015). Collection method: clinical testing. Allele origin: germline.
Comment: This sequence change replaces valine, which is neutral and non-polar, with isoleucine, which is neutral and non-polar, at codon 1208 of the KIF1B protein (p.Val1208Ile). This variant is present in population databases (no rsID available, gnomAD 0.0009%). This variant has not been reported in the literature in individuals affected with KIF1B-related conditions. ClinVar contains an entry for this variant (Variation ID: 956809). An algorithm developed to predict the effect of missense changes on protein structure and function (PolyPhen-2) suggests that this variant is likely to be tolerated. In summary, the available evidence is currently insufficient to determine the role of this variant in disease. Therefore, it has been classified as a Variant of Uncertain Significance.

Ambry Genetics
Classification: Uncertain significance. Last evaluated: 2024-06-20. Review status: criteria provided, single submitter. Criteria: Ambry Variant Classification Scheme 2023. Collection method: clinical testing. Allele origin: germline.
Comment: The p.V1208I variant (also known as c.3622G>A), located in coding exon 32 of the KIF1B gene, results from a G to A substitution at nucleotide position 3622. The valine at codon 1208 is replaced by isoleucine, an amino acid with highly similar properties. This amino acid position is conserved. In addition, this alteration is predicted to be tolerated by in silico analysis. Based on the available evidence, the clinical significance of this variant remains unclear.

NM_001365951.3(KIF1B):c.3760G>A (p.Val1254Ile)

Gene: KIF1B (kinesin family member 1B; plus strand). Cytogenetic location: 1p36.22.
Variant type: single nucleotide variant.
Coding change: c.3760G>A on transcript NM_001365951.3 (MANE Select); coding-DNA position 3760, G replaced by A.
Protein change: p.Val1254Ile; replaces valine 1254 with isoleucine.
Molecular consequence: missense variant.
Genome position (GRCh38, 1-based): chr1:10,345,916, G>A. VCF-style: chr1-10345916-G-A. GRCh37 (hg19) VCF-style: chr1-10405974-G-A.
Other names: c.3760G>A, p.Val1254Ile (NM_001365952.1); c.3622G>A, p.Val1208Ile (NM_015074.3); short protein forms V1254I, V1208I.
Identifiers: ClinVar variation 956809 (VCV000956809.10), dbSNP rs1490841470, ClinGen allele CA338342511.